The following is an entry in ClinVar:

ClinVar aggregate classification (germline): Pathogenic/Likely pathogenic. Review status: criteria provided, multiple submitters, no conflicts (2 of 4 stars). 4 submissions from 4 submitters: Pathogenic (2); Likely pathogenic (2). Last evaluated 2024-06-12.

Conditions:
Developmental and epileptic encephalopathy, 23 (DEE23). Also called: Epileptic encephalopathy, early infantile, 23. Identifiers: Orphanet 411986, MedGen C4014492, MONDO:0014371, OMIM 615859.

Allele frequency attached by ClinVar (database versions not stated): gnomAD exomes below 0.00001.
gnomAD v4.1: 2 of 1,583,388 alleles (0.00013%); highest among the groups gnomAD compares: East Asian, 0.0022%; no homozygotes.

Submissions (4):

Department of Human Genetics, Hannover Medical School
Classification: Pathogenic for Developmental and epileptic encephalopathy, 23. Last evaluated: 2024-06-12. Review status: criteria provided, single submitter. Criteria: ACMG Guidelines, 2015. Collection method: clinical testing. Allele origin: germline. Inheritance: Autosomal recessive inheritance. Affected: yes.

Genome-Nilou Lab
Classification: Likely pathogenic for Developmental and epileptic encephalopathy, 23. Last evaluated: 2023-04-11. Review status: criteria provided, single submitter. Criteria: ACMG Guidelines, 2015. Collection method: clinical testing. Allele origin: germline. Affected: no.

Labcorp Genetics (formerly Invitae), Labcorp
Classification: Pathogenic for Developmental and epileptic encephalopathy, 23. Last evaluated: 2018-11-03. Review status: criteria provided, single submitter. Criteria: Invitae Variant Classification Sherloc (09022015). Collection method: clinical testing. Allele origin: germline.
Comment: This variant is not present in population databases (ExAC no frequency). This sequence change creates a premature translational stop signal (p.Arg429*) in the DOCK7 gene. It is expected to result in an absent or disrupted protein product. This variant has not been reported in the literature in individuals with DOCK7-related disease. ClinVar contains an entry for this variant (Variation ID: 376968). Loss-of-function variants in DOCK7 are known to be pathogenic (PMID: 24814191). For these reasons, this variant has been classified as Pathogenic.

Center for Pediatric Genomic Medicine, Children's Mercy Hospital and Clinics
Classification: Likely pathogenic. Last evaluated: 2016-12-02. Review status: criteria provided, single submitter. Criteria: ACMG Guidelines, 2015. Collection method: clinical testing. Allele origin: germline.

Literature cited by the submitters: PubMed 24814191 (cited by Labcorp Genetics (formerly Invitae), Labcorp).

NM_001367561.1(DOCK7):c.1285C>T (p.Arg429Ter)

Gene: DOCK7 (dedicator of cytokinesis 7; minus strand). Cytogenetic location: 1p31.3.
Variant type: single nucleotide variant.
Coding change: c.1285C>T on transcript NM_001367561.1 (MANE Select); coding-DNA position 1285, C replaced by T.
Protein change: p.Arg429Ter; replaces arginine 429 with a stop codon.
Molecular consequence: nonsense.
Genome position (GRCh38, 1-based): chr1:62,625,399, G>A on the plus strand (C>T on the coding strand, the complement: DOCK7 is on the minus strand). VCF-style: chr1-62625399-G-A. GRCh37 (hg19) VCF-style: chr1-63091070-G-A.
Other names: c.1285C>T, p.Arg429Ter (NM_001271999.2, NM_001272000.2, NM_001272001.2 and 3 more transcripts); short protein forms R429*.
Identifiers: ClinVar variation 376968 (VCV000376968.11), dbSNP rs1057520100, ClinGen allele CA16603223.